The following is an entry in ClinVar:

ClinVar aggregate classification (germline): Conflicting classifications of pathogenicity. Review status: criteria provided, conflicting classifications (1 of 4 stars). 2 submissions from 2 submitters: Uncertain significance (1); Likely benign (1). Last evaluated 2025-08-25.

Conditions:
Deficiency of aromatic-L-amino-acid decarboxylase. Also called: Aromatic amino acid decarboxylase deficiency; AADC DEFICIENCY; DDC DEFICIENCY; DOPA DECARBOXYLASE DEFICIENCY; Aromatic L-Amino Acid Decarboxylase Deficiency. Identifiers: Orphanet 35708, MedGen C1291564, MONDO:0012084, OMIM 608643.
Inborn genetic diseases. Identifiers: MedGen C0950123, MeSH D030342.

Allele frequency attached by ClinVar (database versions not stated): gnomAD 0.00001 and 0.00002; ExAC 0.00002; gnomAD exomes 0.00002; TOPMed 0.00003.
gnomAD v4.1: 28 of 1,613,856 alleles (0.0017%); highest among the groups gnomAD compares: Non-Finnish European, 0.0023%; no homozygotes.

Submissions (2):

Ambry Genetics
Classification: Likely benign for Inborn genetic diseases. Last evaluated: 2025-08-25. Review status: criteria provided, single submitter. Criteria: Ambry Variant Classification Scheme 2023. Collection method: clinical testing. Allele origin: germline.

Labcorp Genetics (formerly Invitae), Labcorp
Classification: Uncertain significance for Deficiency of aromatic-L-amino-acid decarboxylase. Last evaluated: 2022-10-24. Review status: criteria provided, single submitter. Criteria: Invitae Variant Classification Sherloc (09022015). Collection method: clinical testing. Allele origin: germline.
Comment: This sequence change replaces glutamine, which is neutral and polar, with arginine, which is basic and polar, at codon 176 of the DDC protein (p.Gln176Arg). This variant is present in population databases (rs764207146, gnomAD 0.005%). This variant has not been reported in the literature in individuals affected with DDC-related conditions. ClinVar contains an entry for this variant (Variation ID: 1026247). Advanced modeling of protein sequence and biophysical properties (such as structural, functional, and spatial information, amino acid conservation, physicochemical variation, residue mobility, and thermodynamic stability) performed at Invitae indicates that this missense variant is expected to disrupt DDC protein function. In summary, the available evidence is currently insufficient to determine the role of this variant in disease. Therefore, it has been classified as a Variant of Uncertain Significance.

NM_001082971.2(DDC):c.527A>G (p.Gln176Arg)

Gene: DDC (dopa decarboxylase; minus strand). Cytogenetic location: 7p12.1.
Variant type: single nucleotide variant.
Coding change: c.527A>G on transcript NM_001082971.2 (MANE Select); coding-DNA position 527, A replaced by G.
Protein change: p.Gln176Arg; replaces glutamine 176 with arginine.
Molecular consequence: missense variant. On other transcripts: intron variant (1).
Genome position (GRCh38, 1-based): chr7:50,529,251, T>C on the plus strand (A>G on the coding strand, the complement: DDC is on the minus strand). VCF-style: chr7-50529251-T-C. GRCh37 (hg19) VCF-style: chr7-50596949-T-C.
Other names: c.527A>G (NM_000790.3); c.527A>G, p.Gln176Arg (NM_000790.4, NM_001242887.2, NM_001242890.2); c.293A>G, p.Gln98Arg (NM_001242888.2); c.413A>G, p.Gln138Arg (NM_001242886.2); c.435+8609A>G (NM_001242889.2); short protein forms Q138R, Q176R, Q98R.
Identifiers: ClinVar variation 1026247 (VCV001026247.5), dbSNP rs764207146, ClinGen allele CA4262345.
Genomic context (GRCh38, chr7:50,529,251, plus strand): 5'-CCCCACAACACACTCACCTGATCGGATGAGTAAGCCACCAGCTTCTCCATGATAGCGGCC[T>C]GTGTGAGCTCTGGGGACGCTGCCTGCAGCCGATGGATCACTTTGGTCCGAGCGGCCAGCA-3'
Protein context (NP_001076440.2, residues 166-186): RLQAASPELT[Gln176Arg]AAIMEKLVAY